The following is an entry in ClinVar:

NM_138694.4(PKHD1):c.7149G>A (p.Trp2383Ter)

Gene: PKHD1 (PKHD1 ciliary IPT domain containing fibrocystin/polyductin; minus strand). Cytogenetic location: 6p12.2.
Variant type: single nucleotide variant.
Coding change: c.7149G>A on transcript NM_138694.4 (MANE Select); coding-DNA position 7149, G replaced by A.
Protein change: p.Trp2383Ter; replaces tryptophan 2383 with a stop codon.
Molecular consequence: nonsense.
Genome position (GRCh38, 1-based): chr6:51,885,933, C>T on the plus strand (G>A on the coding strand, the complement: PKHD1 is on the minus strand). VCF-style: chr6-51885933-C-T. GRCh37 (hg19) VCF-style: chr6-51750731-C-T.
Other names: c.7149G>A, p.Trp2383Ter (NM_170724.3); short protein forms W2383*.
Identifiers: ClinVar variation 1455019 (VCV001455019.7), dbSNP rs757590581, ClinGen allele CA364423748.

ClinVar aggregate classification (germline): Pathogenic. Review status: criteria provided, multiple submitters, no conflicts (2 of 4 stars). 2 submissions from 2 submitters: Pathogenic (2). Last evaluated 2023-06-25.

Conditions:
Polycystic kidney disease 4 (PKD4). Also called: POLYCYSTIC KIDNEY DISEASE 4 WITH OR WITHOUT POLYCYSTIC LIVER DISEASE; PKD3; Autosomal Recessive Polycystic Kidney Disease – PKHD1; POLYCYSTIC KIDNEY AND HEPATIC DISEASE 1; POLYCYSTIC KIDNEY DISEASE, INFANTILE, TYPE I. Identifiers: MedGen C4540575, MONDO:0033004, OMIM 263200.
Autosomal recessive polycystic kidney disease (ARPKD). Also called: AR polycystic kidney disease. Identifiers: Orphanet 731, Orphanet 8378, MedGen C0085548, MeSH D017044, MONDO:0009889.

Submissions (2):

Baylor Genetics
Classification: Pathogenic for Polycystic kidney disease 4. Last evaluated: 2023-06-25. Review status: criteria provided, single submitter. Criteria: ACMG Guidelines, 2015. Collection method: clinical testing. Allele origin: unknown.

Labcorp Genetics (formerly Invitae), Labcorp
Classification: Pathogenic for Autosomal recessive polycystic kidney disease. Last evaluated: 2021-06-11. Review status: criteria provided, single submitter. Criteria: Invitae Variant Classification Sherloc (09022015). Collection method: clinical testing. Allele origin: germline.
Comment: This sequence change creates a premature translational stop signal (p.Trp2383*) in the PKHD1 gene. It is expected to result in an absent or disrupted protein product. Loss-of-function variants in PKHD1 are known to be pathogenic (PMID: 19940839). This variant is not present in population databases (ExAC no frequency). This variant has not been reported in the literature in individuals with PKHD1-related conditions. For these reasons, this variant has been classified as Pathogenic.

Literature cited by the submitters: PubMed 19940839 (cited by Labcorp Genetics (formerly Invitae), Labcorp).